The following is an entry in ClinVar:

ClinVar aggregate classification (germline): Likely pathogenic (1 of 4 stars; one submission).

Conditions:
Dilated cardiomyopathy 1G (CMD1G). Identifiers: Orphanet 154, MedGen C1858763, MONDO:0011400, OMIM 604145.
Autosomal recessive limb-girdle muscular dystrophy type 2J (LGMDR10). Also called: Limb-girdle muscular dystrophy, type 2J; MUSCULAR DYSTROPHY, LIMB-GIRDLE, AUTOSOMAL RECESSIVE 10. Identifiers: Orphanet 140922, MedGen C1837342, MONDO:0012127, OMIM 608807.

Submission:

Labcorp Genetics (formerly Invitae), Labcorp
Classification: Likely pathogenic for Dilated cardiomyopathy 1G; Autosomal recessive limb-girdle muscular dystrophy type 2J. Last evaluated: 2021-02-18. Review status: criteria provided, single submitter. Criteria: Invitae Variant Classification Sherloc (09022015). Collection method: clinical testing. Allele origin: germline.
Comment: This sequence change creates a premature translational stop signal (p.Gln26820*) in the TTN gene. While this is not anticipated to result in nonsense mediated decay, it is expected to create a truncated TTN protein. This variant is not present in population databases (ExAC no frequency). In summary, the currently available evidence indicates that the variant is pathogenic, but additional data are needed to prove that conclusively. Therefore, this variant has been classified as Likely Pathogenic. This variant is located in the A band of TTN (PMID: 25589632). Truncating variants in this region are significantly overrepresented in patients affected with dilated cardiomyopathy (PMID: 25589632). Truncating variants in this region have also been reported in individuals affected with autosomal recessive centronuclear myopathy (PMID: 23975875). This variant has not been reported in the literature in individuals with TTN-related conditions.

Literature cited by the submitters: PubMed 25589632; PubMed 23975875.

NM_001267550.2(TTN):c.80458C>T (p.Gln26820Ter)

Genes: TTN-AS1 (TTN antisense RNA 1; plus strand), TTN (titin; minus strand). Cytogenetic location: 2q31.2.
Variant type: single nucleotide variant.
Coding change: c.80458C>T on transcript NM_001267550.2 (MANE Select); coding-DNA position 80458, C replaced by T.
Protein change: p.Gln26820Ter; replaces glutamine 26820 with a stop codon.
Molecular consequence: nonsense.
Genome position (GRCh38, 1-based): chr2:178,565,674, G>A on the plus strand (C>T on the coding strand, the complement: TTN is on the minus strand). VCF-style: chr2-178565674-G-A. GRCh37 (hg19) VCF-style: chr2-179430401-G-A.
Other names: c.75535C>T, p.Gln25179Ter (NM_001256850.1); c.53263C>T, p.Gln17755Ter (NM_003319.4); c.72754C>T, p.Gln24252Ter (NM_133378.4); c.53638C>T, p.Gln17880Ter (NM_133432.3); c.53839C>T, p.Gln17947Ter (NM_133437.4); short protein forms Q17880*, Q24252*, Q17755*, Q17947*, Q26820*, Q25179*.
Identifiers: ClinVar variation 1468123 (VCV001468123.8), dbSNP rs2154164995, ClinGen allele CA349588691.